The following is an entry in ClinVar:

ClinVar aggregate classification (germline): Conflicting classifications of pathogenicity. Review status: criteria provided, conflicting classifications (1 of 4 stars). 3 submissions from 3 submitters: Uncertain significance (2); Benign (1). Last evaluated 2025-10-06.

Conditions:
Kabuki syndrome. Also called: Kabuki make-up syndrome; NIIKAWA-KUROKI SYNDROME. Identifiers: Orphanet 2322, MedGen C0796004, MONDO:0016512.

Allele frequency attached by ClinVar (database versions not stated): gnomAD 0.00001 and 0.00002; ExAC 0.00002; gnomAD exomes 0.00002; TOPMed 0.00003; ESP Exome Variant Server 0.00008.
gnomAD v4.1: 39 of 1,613,944 alleles (0.0024%); highest among the groups gnomAD compares: Admixed American, 0.0033%; no homozygotes.

Submissions (3):

Labcorp Genetics (formerly Invitae), Labcorp
Classification: Benign for Kabuki syndrome. Last evaluated: 2025-10-06. Review status: criteria provided, single submitter. Criteria: Invitae Variant Classification Sherloc (09022015). Collection method: clinical testing. Allele origin: germline.

ARUP Laboratories, Molecular Genetics and Genomics, ARUP Laboratories
Classification: Uncertain significance. Last evaluated: 2024-09-27. Review status: criteria provided, single submitter. Criteria: ARUP Molecular Germline Variant Investigation Process 2024. Collection method: clinical testing. Allele origin: germline.
Comment: The KMT2D c.5431G>A; p.Gly1811Ser variant (rs369800371), to our knowledge, is not reported in the medical literature but is reported in ClinVar (Variation ID: 1410837). This variant is found in the general population with an overall allele frequency of 0.0016% (4/249220 alleles) in the Genome Aggregation Database (v2.1.1). Computational analyses are uncertain whether this variant is neutral or deleterious (REVEL: 0.299). Due to limited information, the clinical significance of this variant is uncertain at this time.

Revvity Omics, Revvity
Classification: Uncertain significance. Last evaluated: 2021-07-16. Review status: criteria provided, single submitter. Criteria: ACMG Guidelines, 2015. Collection method: clinical testing. Allele origin: germline.

NM_003482.4(KMT2D):c.5431G>A (p.Gly1811Ser)

Gene: KMT2D (lysine methyltransferase 2D; minus strand). Cytogenetic location: 12q13.12.
Variant type: single nucleotide variant.
Coding change: c.5431G>A on transcript NM_003482.4 (MANE Select); coding-DNA position 5431, G replaced by A.
Protein change: p.Gly1811Ser; replaces glycine 1811 with serine.
Molecular consequence: missense variant.
Genome position (GRCh38, 1-based): chr12:49,043,671, C>T on the plus strand (G>A on the coding strand, the complement: KMT2D is on the minus strand). VCF-style: chr12-49043671-C-T. GRCh37 (hg19) VCF-style: chr12-49437454-C-T.
Other names: c.5431G>A (NM_003482.3); short protein forms G1811S.
Identifiers: ClinVar variation 1410837 (VCV001410837.9), dbSNP rs369800371, ClinGen allele CA6547547.